The following is an entry in ClinVar:

ClinVar aggregate classification (germline): Benign. Review status: criteria provided, multiple submitters, no conflicts (2 of 4 stars). 4 submissions from 4 submitters: Benign (4). Last evaluated 2021-12-05.

Conditions:
Amyotrophic neuralgia (HNA). Also called: AMYOTROPHY, HEREDITARY NEURALGIC; Hereditary Brachial Plexus Neuropathy; Neuritis with Brachial Predilection; AMYOTROPHY, HEREDITARY NEURALGIC, WITH PREDILECTION FOR BRACHIAL PLEXUS. Identifiers: Orphanet 2901, MedGen C1834304, MONDO:0008076, OMIM 162100.

Allele frequency attached by ClinVar (database versions not stated): gnomAD exomes 0.51329 and 0.57065; gnomAD 0.53926 and 0.54738; TOPMed 0.55842; ExAC 0.61192; 1000 Genomes Project 0.69928; 1000 Genomes Project 30x 0.70066.
gnomAD v4.1: 282,414 of 540,880 alleles (52%); highest among the groups gnomAD compares: East Asian, 91%; 81,005 homozygotes.

Submissions (4):

Genome-Nilou Lab
Classification: Benign for Amyotrophic neuralgia. Last evaluated: 2021-12-05. Review status: criteria provided, single submitter. Criteria: ACMG Guidelines, 2015. Collection method: clinical testing. Allele origin: germline. Affected: no.

GeneDx
Classification: Benign. Last evaluated: 2018-07-06. Review status: criteria provided, single submitter. Criteria: GeneDx Variant Classification Process June 2021. Collection method: clinical testing. Allele origin: germline. Affected: yes.

Illumina Laboratory Services, Illumina
Classification: Benign for Amyotrophy, hereditary neuralgic. Last evaluated: 2017-04-27. Review status: criteria provided, single submitter. Criteria: ICSL Variant Classification Criteria 13 December 2019. Collection method: clinical testing. Allele origin: germline.
Comment: This variant was observed as part of a predisposition screen in an ostensibly healthy population. A literature search was performed for the gene, cDNA change, and amino acid change (where applicable). No publications were found based on this search. Allele frequency data from public databases was too high to be consistent with this variant causing disease. Therefore, this variant is classified as benign.

Breakthrough Genomics
Classification: Benign. Review status: criteria provided, single submitter. Criteria: ACMG Guidelines, 2015. Collection method: not provided. Allele origin: germline. Inheritance: Autosomal dominant inheritance. Affected: yes.

NM_001113491.2(SEPTIN9):c.*325T>C

Gene: SEPTIN9 (septin 9; plus strand). Cytogenetic location: 17q25.3.
Variant type: single nucleotide variant.
Coding change: c.*325T>C on transcript NM_001113491.2 (MANE Select); 325 bases downstream of the stop codon, T replaced by C.
Molecular consequence: 3 prime UTR variant.
Genome position (GRCh38, 1-based): chr17:77,498,983, T>C. VCF-style: chr17-77498983-T-C. GRCh37 (hg19) VCF-style: chr17-75495065-T-C.
Other names: c.*325T>C (NM_001113492.2, NM_001113493.2, NM_001113494.1 and 7 more transcripts).
Identifiers: ClinVar variation 325585 (VCV000325585.8), dbSNP rs448203, ClinGen allele CA8793974.